The following is an entry in ClinVar:

ClinVar aggregate classification (germline): Uncertain significance. Review status: criteria provided, multiple submitters, no conflicts (2 of 4 stars). 2 submissions from 2 submitters: Uncertain significance (2). Last evaluated 2025-09-01.

Allele frequency attached by ClinVar (database versions not stated): ExAC 0.00001; gnomAD exomes 0.00001.

Submissions (2):

Ambry Genetics
Classification: Uncertain significance. Last evaluated: 2025-09-01. Review status: criteria provided, single submitter. Criteria: Ambry Variant Classification Scheme 2023. Collection method: clinical testing. Allele origin: germline.

Labcorp Genetics (formerly Invitae), Labcorp
Classification: Uncertain significance. Last evaluated: 2022-11-22. Review status: criteria provided, single submitter. Criteria: Invitae Variant Classification Sherloc (09022015). Collection method: clinical testing. Allele origin: germline.
Comment: In summary, the available evidence is currently insufficient to determine the role of this variant in disease. Therefore, it has been classified as a Variant of Uncertain Significance. Algorithms developed to predict the effect of missense changes on protein structure and function (SIFT, PolyPhen-2, Align-GVGD) all suggest that this variant is likely to be tolerated. This variant has not been reported in the literature in individuals affected with MOCS3-related conditions. This variant is present in population databases (rs762851134, gnomAD 0.003%). This sequence change replaces alanine, which is neutral and non-polar, with glycine, which is neutral and non-polar, at codon 29 of the MOCS3 protein (p.Ala29Gly).

NM_014484.5(MOCS3):c.86C>G (p.Ala29Gly)

Gene: MOCS3 (molybdenum cofactor synthesis 3; plus strand). Cytogenetic location: 20q13.13.
Variant type: single nucleotide variant.
Coding change: c.86C>G on transcript NM_014484.5 (MANE Select); coding-DNA position 86, C replaced by G.
Protein change: p.Ala29Gly; replaces alanine 29 with glycine.
Molecular consequence: missense variant.
Genome position (GRCh38, 1-based): chr20:50,958,928, C>G. VCF-style: chr20-50958928-C-G. GRCh37 (hg19) VCF-style: chr20-49575465-C-G.
Other names: c.86C>G (NM_014484.3); short protein forms A29G.
Identifiers: ClinVar variation 1971202 (VCV001971202.6), dbSNP rs762851134, ClinGen allele CA9909347.